The following is an entry in ClinVar:

ClinVar aggregate classification (germline): Uncertain significance (1 of 4 stars; one submission).

Submission:

Labcorp Genetics (formerly Invitae), Labcorp
Classification: Uncertain significance. Last evaluated: 2023-01-16. Review status: criteria provided, single submitter. Criteria: Invitae Variant Classification Sherloc (09022015). Collection method: clinical testing. Allele origin: germline.
Comment: Algorithms developed to predict the effect of missense changes on protein structure and function are either unavailable or do not agree on the potential impact of this missense change (SIFT: "Tolerated"; PolyPhen-2: "Possibly Damaging"; Align-GVGD: "Class C0"). This variant has not been reported in the literature in individuals affected with SRP72-related conditions. This variant is not present in population databases (gnomAD no frequency). This sequence change replaces proline, which is neutral and non-polar, with leucine, which is neutral and non-polar, at codon 441 of the SRP72 protein (p.Pro441Leu). In summary, the available evidence is currently insufficient to determine the role of this variant in disease. Therefore, it has been classified as a Variant of Uncertain Significance.

NM_006947.4(SRP72):c.1322C>T (p.Pro441Leu)

Gene: SRP72 (signal recognition particle 72; plus strand). Cytogenetic location: 4q12.
Variant type: single nucleotide variant.
Coding change: c.1322C>T on transcript NM_006947.4 (MANE Select); coding-DNA position 1322, C replaced by T.
Protein change: p.Pro441Leu; replaces proline 441 with leucine.
Molecular consequence: missense variant. On other transcripts: non-coding transcript variant (1).
Genome position (GRCh38, 1-based): chr4:56,490,334, C>T. VCF-style: chr4-56490334-C-T. GRCh37 (hg19) VCF-style: chr4-57356500-C-T.
Other names: c.1139C>T, p.Pro380Leu (NM_001267722.2); short protein forms P380L, P441L.
Identifiers: ClinVar variation 2829157 (VCV002829157.3), dbSNP rs2545767322, ClinGen allele CA357001470.
Genomic context (GRCh38, chr4:56,490,334, plus strand): 5'-GCATGCACTTGCTAGATATTTAACTTGAAACTTTTTTTTTCTTTTTATTGAAACTGTAGC[C>T]AAAATCTCCTGCTCATTTGTCCTTGATAAGAGAAGCTGCAAACTTCAAACTCAAATATGG-3'
Protein context (NP_008878.3, residues 431-451): QAIQWYQNHQ[Pro441Leu]KSPAHLSLIR